The following is an entry in ClinVar:

NM_000070.3(CAPN3):c.1334G>A (p.Gly445Glu)

Gene: CAPN3 (calpain 3; plus strand). Cytogenetic location: 15q15.1.
Variant type: single nucleotide variant.
Coding change: c.1334G>A on transcript NM_000070.3 (MANE Select); coding-DNA position 1334, G replaced by A.
Protein change: p.Gly445Glu; replaces glycine 445 with glutamic acid.
Molecular consequence: missense variant.
Genome position (GRCh38, 1-based): chr15:42,399,632, G>A. VCF-style: chr15-42399632-G-A. GRCh37 (hg19) VCF-style: chr15-42691830-G-A.
Other names: c.1334G>A, p.Gly445Glu (NM_024344.2); c.1190G>A, p.Gly397Glu (NM_173087.2); short protein forms G445E, G397E.
Identifiers: ClinVar variation 468642 (VCV000468642.11), dbSNP rs1555421875, ClinGen allele CA391999606.

ClinVar aggregate classification (germline): Uncertain significance (1 of 4 stars; one submission).

Conditions:
Autosomal recessive limb-girdle muscular dystrophy type 2A (LGMDR1). Also called: LEYDEN-MOEBIUS MUSCULAR DYSTROPHY; MUSCULAR DYSTROPHY, PELVOFEMORAL; Limb-girdle muscular dystrophy, type 2A; Calpainopathy; Muscular dystrophy, limb-girdle, type 2A, Amish. Identifiers: Orphanet 267, MedGen C1869123, MONDO:0009675, OMIM 253600. Disease mechanism: loss of function.

Submission:

Labcorp Genetics (formerly Invitae), Labcorp
Classification: Uncertain significance for Autosomal recessive limb-girdle muscular dystrophy type 2A. Last evaluated: 2025-10-09. Review status: criteria provided, single submitter. Criteria: Invitae Variant Classification Sherloc (09022015). Collection method: clinical testing. Allele origin: germline.
Comment: This sequence change replaces glycine, which is neutral and non-polar, with glutamic acid, which is acidic and polar, at codon 445 of the CAPN3 protein (p.Gly445Glu). This variant is not present in population databases (gnomAD no frequency). This missense change has been observed in individual(s) with muscular dystrophy (internal data). ClinVar contains an entry for this variant (Variation ID: 468642). Invitae Evidence Modeling of protein sequence and biophysical properties (such as structural, functional, and spatial information, amino acid conservation, physicochemical variation, residue mobility, and thermodynamic stability) indicates that this missense variant is expected to disrupt CAPN3 protein function with a positive predictive value of 80%. This variant disrupts the p.Gly445 amino acid residue in CAPN3. Other variant(s) that disrupt this residue have been determined to be pathogenic (PMID: 10330340, 15221789, 17236769, 18854869). This suggests that this residue is clinically significant, and that variants that disrupt this residue are likely to be disease-causing. In summary, the available evidence is currently insufficient to determine the role of this variant in disease. Therefore, it has been classified as a Variant of Uncertain Significance.

Literature cited by the submitters: PubMed 10330340; PubMed 15221789; PubMed 17236769; PubMed 18854869.